The following is an entry in ClinVar:

NM_000548.5(TSC2):c.5209C>A (p.Pro1737Thr)

Gene: TSC2 (TSC complex subunit 2; plus strand). Cytogenetic location: 16p13.3.
Variant type: single nucleotide variant.
Coding change: c.5209C>A on transcript NM_000548.5 (MANE Select); coding-DNA position 5209, C replaced by A.
Protein change: p.Pro1737Thr; replaces proline 1737 with threonine.
Molecular consequence: missense variant. On other transcripts: non-coding transcript variant (5).
Genome position (GRCh38, 1-based): chr16:2,088,275, C>A. VCF-style: chr16-2088275-C-A. GRCh37 (hg19) VCF-style: chr16-2138276-C-A.
Other names: c.4537C>A, p.Pro1513Thr (NM_001406684.1); c.4411C>A, p.Pro1471Thr (NM_001406685.1, NM_001406686.1); c.4408C>A, p.Pro1470Thr (NM_001406687.1, NM_001406688.1); c.3796C>A, p.Pro1266Thr (NM_001406689.1); c.3736C>A, p.Pro1246Thr (NM_001406690.1); c.3733C>A, p.Pro1245Thr (NM_001406691.1); c.3667C>A, p.Pro1223Thr (NM_001406692.1, NM_001406693.1, NM_001406694.1); c.5008C>A, p.Pro1670Thr (NM_001077183.3); and 27 more; short protein forms P1222T, P1470T, P1517T, P1667T, P1671T, P1677T, P1700T, P1711T.
Identifiers: ClinVar variation 4825664 (VCV004825664.1).
Genomic context (GRCh38, chr16:2,088,275, plus strand): 5'-CTACGTCCCCAGATGGCCTCACAGGTGCATCATAGCCGCTCCAACCCCACCGATATCTAC[C>A]CCTCCAAGTGGATTGCCCGGCTCCGCCACATCAAGCGGCTCCGCCAGCGGGTAGGGAATA-3'
Protein context (NP_000539.2, residues 1727-1747): HSRSNPTDIY[Pro1737Thr]SKWIARLRHI

ClinVar aggregate classification (germline): Uncertain significance (1 of 4 stars; one submission).

Conditions:
Hereditary cancer-predisposing syndrome. Also called: Neoplastic Syndromes, Hereditary; Tumor predisposition; Hereditary Cancer Syndrome; Hereditary neoplastic syndrome. Identifiers: Orphanet 140162, MedGen C0027672, MeSH D009386, MONDO:0015356.

Submission:

Ambry Genetics
Classification: Uncertain significance for Hereditary cancer-predisposing syndrome. Last evaluated: 2026-01-28. Review status: criteria provided, single submitter. Criteria: Ambry Variant Classification Scheme 2023. Collection method: clinical testing. Allele origin: germline.
Comment: The p.P1737T variant (also known as c.5209C>A), located in coding exon 40 of the TSC2 gene, results from a C to A substitution at nucleotide position 5209. The proline at codon 1737 is replaced by threonine, an amino acid with highly similar properties. This amino acid position is not well conserved in available vertebrate species. In addition, this alteration is predicted to be deleterious by in silico analysis. Based on the available evidence, the clinical significance of this variant remains unclear.